The following is an entry in ClinVar:

NM_000256.3(MYBPC3):c.2501G>C (p.Arg834Pro)

Gene: MYBPC3 (myosin binding protein C3; minus strand). Cytogenetic location: 11p11.2.
Variant type: single nucleotide variant.
Coding change: c.2501G>C on transcript NM_000256.3 (MANE Select); coding-DNA position 2501, G replaced by C.
Protein change: p.Arg834Pro; replaces arginine 834 with proline.
Molecular consequence: missense variant.
Genome position (GRCh38, 1-based): chr11:47,337,492, C>G on the plus strand (G>C on the coding strand, the complement: MYBPC3 is on the minus strand). VCF-style: chr11-47337492-C-G. GRCh37 (hg19) VCF-style: chr11-47359043-C-G.
Other names: short protein forms R834P.
Identifiers: ClinVar variation 928018 (VCV000928018.12), dbSNP rs540988604, ClinGen allele CA380318234.

ClinVar aggregate classification (germline): Uncertain significance. Review status: criteria provided, multiple submitters, no conflicts (2 of 4 stars). 4 submissions from 4 submitters: Uncertain significance (4). Last evaluated 2024-12-22.

Conditions:
Cardiomyopathy (CMYO). Also called: Cardiomyopathies. Identifiers: Orphanet 167848, MedGen C0878544, MONDO:0004994, HP:0001638. Inheritance: Various modes of inheritance.
Cardiovascular phenotype. Identifiers: MedGen CN230736.
Hypertrophic cardiomyopathy. Also called: HYPERTROPHIC MYOCARDIOPATHY. Identifiers: Orphanet 217569, MedGen C0007194, MeSH D002312, MONDO:0005045, HP:0001639.

Allele frequency attached by ClinVar (database versions not stated): gnomAD 0.00001; TOPMed 0.00001.
gnomAD v4.1: 2 of 1,613,894 alleles (0.00012%); highest among the groups gnomAD compares: African/African-American, 0.0027%; no homozygotes.

Submissions (4):

Labcorp Genetics (formerly Invitae), Labcorp
Classification: Uncertain significance for Hypertrophic cardiomyopathy. Last evaluated: 2024-12-22. Review status: criteria provided, single submitter. Criteria: Invitae Variant Classification Sherloc (09022015). Collection method: clinical testing. Allele origin: germline.
Comment: This sequence change replaces arginine, which is basic and polar, with proline, which is neutral and non-polar, at codon 834 of the MYBPC3 protein (p.Arg834Pro). This variant is present in population databases (no rsID available, gnomAD 0.007%). This variant has not been reported in the literature in individuals affected with MYBPC3-related conditions. ClinVar contains an entry for this variant (Variation ID: 928018). An algorithm developed to predict the effect of missense changes on protein structure and function (PolyPhen-2) suggests that this variant is likely to be disruptive. In summary, the available evidence is currently insufficient to determine the role of this variant in disease. Therefore, it has been classified as a Variant of Uncertain Significance.

All of Us Research Program, National Institutes of Health
Classification: Uncertain significance for Hypertrophic cardiomyopathy. Last evaluated: 2023-05-30. Review status: criteria provided, single submitter. Criteria: ACMG Guidelines, 2015. Collection method: clinical testing. Allele origin: germline. Inheritance: Autosomal dominant inheritance. Observed: 1 variant allele, 1 heterozygote.
Comment: This missense variant replaces arginine with proline at codon 834 of the MYBPC3 protein. Computational prediction suggests that this variant may not impact protein structure and function (internally defined REVEL score threshold <= 0.5, PMID: 27666373). To our knowledge, functional studies have not been reported for this variant. This variant has not been reported in individuals affected with cardiovascular disorders in the literature. This variant has been identified in 1/249096 chromosomes in the general population by the Genome Aggregation Database (gnomAD). The available evidence is insufficient to determine the role of this variant in disease conclusively. Therefore, this variant is classified as a Variant of Uncertain Significance.

This study involves interpretation of variants in research participants for the purpose of population health screening. Participant phenotype was not available at the time of variant classification. Additional details can be found in publication PMID: 35346344, PMCID: PMC8962531

Color Diagnostics, LLC DBA Color Health
Classification: Uncertain significance for Cardiomyopathy. Last evaluated: 2023-05-12. Review status: criteria provided, single submitter. Criteria: ACMG Guidelines, 2015. Collection method: clinical testing. Allele origin: germline.
Comment: This missense variant replaces arginine with proline at codon 834 of the MYBPC3 protein. Computational prediction suggests that this variant may not impact protein structure and function (internally defined REVEL score threshold <= 0.5, PMID: 27666373). To our knowledge, functional studies have not been reported for this variant. This variant has not been reported in individuals affected with MYBPC3-related disorders in the literature. This variant has been identified in 1/249096 chromosomes in the general population by the Genome Aggregation Database (gnomAD). The available evidence is insufficient to determine the role of this variant in disease conclusively. Therefore, this variant is classified as a Variant of Uncertain Significance.

Ambry Genetics
Classification: Uncertain significance for Cardiovascular phenotype. Last evaluated: 2022-03-08. Review status: criteria provided, single submitter. Criteria: Ambry Variant Classification Scheme 2023. Collection method: clinical testing. Allele origin: germline.
Comment: The p.R834P variant (also known as c.2501G>C), located in coding exon 25 of the MYBPC3 gene, results from a G to C substitution at nucleotide position 2501. The arginine at codon 834 is replaced by proline, an amino acid with dissimilar properties. This amino acid position is not well conserved in available vertebrate species. In addition, this alteration is predicted to be tolerated by in silico analysis. Since supporting evidence is limited at this time, the clinical significance of this alteration remains unclear.

Literature cited by the submitters: PubMed 14563344 (cited by Ambry Genetics).